The following is an entry in ClinVar:

NM_006767.4(LZTR1):c.661A>G (p.Ser221Gly)

Gene: LZTR1 (leucine zipper like post translational regulator 1; plus strand). Cytogenetic location: 22q11.21.
Variant type: single nucleotide variant.
Coding change: c.661A>G on transcript NM_006767.4 (MANE Select); coding-DNA position 661, A replaced by G.
Protein change: p.Ser221Gly; replaces serine 221 with glycine.
Molecular consequence: missense variant.
Genome position (GRCh38, 1-based): chr22:20,990,395, A>G. VCF-style: chr22-20990395-A-G. GRCh37 (hg19) VCF-style: chr22-21344684-A-G.
Other names: short protein forms S221G.
Identifiers: ClinVar variation 1754500 (VCV001754500.5), dbSNP rs2518615653, ClinGen allele CA410780426.

ClinVar aggregate classification (germline): Uncertain significance. Review status: criteria provided, multiple submitters, no conflicts (2 of 4 stars). 2 submissions from 2 submitters: Uncertain significance (2). Last evaluated 2024-04-11.

Conditions:
Cardiovascular phenotype. Identifiers: MedGen CN230736.
Hereditary cancer-predisposing syndrome. Also called: Neoplastic Syndromes, Hereditary; Tumor predisposition; Hereditary Cancer Syndrome; Hereditary neoplastic syndrome. Identifiers: Orphanet 140162, MedGen C0027672, MeSH D009386, MONDO:0015356.

Submissions (2):

Labcorp Genetics (formerly Invitae), Labcorp
Classification: Uncertain significance. Last evaluated: 2024-04-11. Review status: criteria provided, single submitter. Criteria: Invitae Variant Classification Sherloc (09022015). Collection method: clinical testing. Allele origin: germline.
Comment: This sequence change replaces serine, which is neutral and polar, with glycine, which is neutral and non-polar, at codon 221 of the LZTR1 protein (p.Ser221Gly). This variant is not present in population databases (gnomAD no frequency). This variant has not been reported in the literature in individuals affected with LZTR1-related conditions. ClinVar contains an entry for this variant (Variation ID: 1754500). Advanced modeling of protein sequence and biophysical properties (such as structural, functional, and spatial information, amino acid conservation, physicochemical variation, residue mobility, and thermodynamic stability) performed at Invitae indicates that this missense variant is not expected to disrupt LZTR1 protein function with a negative predictive value of 80%. In summary, the available evidence is currently insufficient to determine the role of this variant in disease. Therefore, it has been classified as a Variant of Uncertain Significance.

Ambry Genetics
Classification: Uncertain significance for Cardiovascular phenotype; Hereditary cancer-predisposing syndrome. Last evaluated: 2021-11-12. Review status: criteria provided, single submitter. Criteria: Ambry Variant Classification Scheme 2023. Collection method: clinical testing. Allele origin: germline.
Comment: The p.S221G variant (also known as c.661A>G), located in coding exon 8 of the LZTR1 gene, results from an A to G substitution at nucleotide position 661. The serine at codon 221 is replaced by glycine, an amino acid with similar properties. This amino acid position is well conserved in available vertebrate species. In addition, this alteration is predicted to be tolerated by in silico analysis. Since supporting evidence is limited at this time, the clinical significance of this alteration remains unclear.